The following is an entry in ClinVar:

NM_004826.4(ECEL1):c.2009T>C (p.Leu670Pro)

Gene: ECEL1 (endothelin converting enzyme like 1; minus strand). Cytogenetic location: 2q37.1.
Variant type: single nucleotide variant.
Coding change: c.2009T>C on transcript NM_004826.4 (MANE Select); coding-DNA position 2009, T replaced by C.
Protein change: p.Leu670Pro; replaces leucine 670 with proline.
Molecular consequence: missense variant.
Genome position (GRCh38, 1-based): chr2:232,481,137, A>G on the plus strand (T>C on the coding strand, the complement: ECEL1 is on the minus strand). VCF-style: chr2-232481137-A-G. GRCh37 (hg19) VCF-style: chr2-233345847-A-G.
Other names: c.2003T>C, p.Leu668Pro (NM_001290787.2); short protein forms L668P, L670P.
Identifiers: ClinVar variation 1307407 (VCV001307407.2), dbSNP rs2106182344, ClinGen allele CA350996794.

ClinVar aggregate classification (germline): Uncertain significance (1 of 4 stars; one submission).

Submission:

GeneDx
Classification: Uncertain significance. Last evaluated: 2019-08-12. Review status: criteria provided, single submitter. Criteria: GeneDx Variant Classification Process June 2021. Collection method: clinical testing. Allele origin: germline. Affected: yes.
Comment: Not observed in large population cohorts (Lek et al., 2016); In silico analysis, which includes protein predictors and evolutionary conservation, supports a deleterious effect; Has not been previously published as pathogenic or benign to our knowledge